The following is an entry in ClinVar:

ClinVar aggregate classification (germline): Uncertain significance (1 of 4 stars; one submission).

Conditions:
Ataxia-telangiectasia syndrome (AT). Also called: LOUIS-BAR SYNDROME; Cerebello-oculocutaneous telangiectasia; Immunodeficiency with ataxia telangiectasia; Ataxia-telangiectasia, complementation group D; AT, COMPLEMENTATION GROUP C; ATAXIA-TELANGIECTASIA, COMPLEMENTATION GROUP A. Identifiers: Orphanet 100, MedGen C0004135, MONDO:0008840, OMIM 208900.

Submission:

Labcorp Genetics (formerly Invitae), Labcorp
Classification: Uncertain significance for Ataxia-telangiectasia syndrome. Last evaluated: 2025-03-05. Review status: criteria provided, single submitter. Criteria: Invitae Variant Classification Sherloc (09022015). Collection method: clinical testing. Allele origin: germline.
Comment: This sequence change replaces valine, which is neutral and non-polar, with aspartic acid, which is acidic and polar, at codon 2892 of the ATM protein (p.Val2892Asp). This variant is not present in population databases (gnomAD no frequency). This variant has not been reported in the literature in individuals affected with ATM-related conditions. Invitae Evidence Modeling of protein sequence and biophysical properties (such as structural, functional, and spatial information, amino acid conservation, physicochemical variation, residue mobility, and thermodynamic stability) has been performed for this missense variant. However, the output from this modeling did not meet the statistical confidence thresholds required to predict the impact of this variant on ATM protein function. In summary, the available evidence is currently insufficient to determine the role of this variant in disease. Therefore, it has been classified as a Variant of Uncertain Significance.

NM_000051.4(ATM):c.8675T>A (p.Val2892Asp)

Genes: ATM (ATM serine/threonine kinase; plus strand), C11orf65 (chromosome 11 open reading frame 65; minus strand). Cytogenetic location: 11q22.3.
Variant type: single nucleotide variant.
Coding change: c.8675T>A on transcript NM_000051.4 (MANE Select); coding-DNA position 8675, T replaced by A.
Protein change: p.Val2892Asp; replaces valine 2892 with aspartic acid.
Molecular consequence: missense variant. On other transcripts: intron variant (2).
Genome position (GRCh38, 1-based): chr11:108,353,769, T>A. VCF-style: chr11-108353769-T-A. GRCh37 (hg19) VCF-style: chr11-108224496-T-A.
Other names: c.8675T>A, p.Val2892Asp (NM_001351834.2); c.640+32151A>T (NM_001330368.2); c.695-18477A>T (NM_001351110.2); short protein forms V2892D.
Identifiers: ClinVar variation 4747275 (VCV004747275.1).